The following is an entry in ClinVar:

ClinVar aggregate classification (germline): Uncertain significance (1 of 4 stars; one submission).

Conditions:
Chromosome 2q32-q33 deletion syndrome (GLASS). Also called: Glass syndrome; 2q33.1 deletion syndrome. Identifiers: Orphanet 251019, MedGen C2676739, MONDO:0012864, OMIM 612313.

Submission:

Labcorp Genetics (formerly Invitae), Labcorp
Classification: Uncertain significance for Chromosome 2q32-q33 deletion syndrome. Last evaluated: 2025-10-11. Review status: criteria provided, single submitter. Criteria: Invitae Variant Classification Sherloc (09022015). Collection method: clinical testing. Allele origin: germline.
Comment: This sequence change replaces leucine, which is neutral and non-polar, with valine, which is neutral and non-polar, at codon 472 of the SATB2 protein (p.Leu472Val). This variant is not present in population databases (gnomAD no frequency). This variant has not been reported in the literature in individuals affected with SATB2-related conditions. Invitae Evidence Modeling of protein sequence and biophysical properties (such as structural, functional, and spatial information, amino acid conservation, physicochemical variation, residue mobility, and thermodynamic stability) indicates that this missense variant is not expected to disrupt SATB2 protein function with a negative predictive value of 80%. In summary, the available evidence is currently insufficient to determine the role of this variant in disease. Therefore, it has been classified as a Variant of Uncertain Significance.

NM_001172509.2(SATB2):c.1414C>G (p.Leu472Val)

Gene: SATB2 (SATB homeobox 2; minus strand). Cytogenetic location: 2q33.1.
Variant type: single nucleotide variant.
Coding change: c.1414C>G on transcript NM_001172509.2 (MANE Select); coding-DNA position 1414, C replaced by G.
Protein change: p.Leu472Val; replaces leucine 472 with valine.
Molecular consequence: missense variant.
Genome position (GRCh38, 1-based): chr2:199,323,931, G>C on the plus strand (C>G on the coding strand, the complement: SATB2 is on the minus strand). VCF-style: chr2-199323931-G-C. GRCh37 (hg19) VCF-style: chr2-200188654-G-C.
Other names: c.1414C>G, p.Leu472Val (NM_001172517.1, NM_015265.4); short protein forms L472V.
Identifiers: ClinVar variation 4742541 (VCV004742541.1).